The following is an entry in ClinVar:

Conditions:
Breast-ovarian cancer, familial, susceptibility to, 1 (BROVCA1). Also called: BRCA1 Hereditary Breast and Ovarian Cancer; OVARIAN CANCER, SUSCEPTIBILITY TO. Identifiers: Orphanet 145, MedGen C2676676, MONDO:0011450, OMIM 604370. Disease mechanism: loss of function.

Submission:

Brotman Baty Institute, University of Washington
No classification provided (evidence only). Condition: Breast-ovarian cancer, familial 1. Review status: no classification provided. Collection method: in vitro. Allele origin: not applicable. Functional consequence: functionally_normal.
ClinVar note: "not provided" was previously submitted as the classification for the variant. However, the classification appeared to be based only on an observation of functional data so it was converted to no classification on 2025-07-30.

NM_007294.4(BRCA1):c.5194-5T>C

Gene: BRCA1 (BRCA1 DNA repair associated; minus strand). Cytogenetic location: 17q21.31.
Variant type: single nucleotide variant.
Coding change: c.5194-5T>C on transcript NM_007294.4 (MANE Select); 5 bases into the intron before coding-DNA position 5194, T replaced by C.
Molecular consequence: intron variant.
Genome position (GRCh38, 1-based): chr17:43,057,140, A>G on the plus strand (T>C on the coding strand, the complement: BRCA1 is on the minus strand). VCF-style: chr17-43057140-A-G. GRCh37 (hg19) VCF-style: chr17-41209157-A-G.
Other names: c.5065-5T>C (NM_001407685.1, NM_001407688.1, NM_001407682.1 and 6 more transcripts); c.5068-5T>C (NM_001407940.1, NM_001407671.1, NM_001407676.1 and 10 more transcripts); c.5134-5T>C (NM_001407649.1); c.1879-5T>C (NM_001408401.1, NM_001408396.1, NM_001408404.1 and 8 more transcripts); c.1882-5T>C (NM_001407985.1, NM_001408472.1, NM_001407990.1 and 12 more transcripts); c.5185-5T>C (NM_001407644.1, NM_001407645.1); c.5188-5T>C (NM_001407627.1, NM_001407861.1, NM_001407635.1 and 14 more transcripts); c.5191-5T>C (NM_001407614.1, NM_001407626.1, NM_001407617.1 and 17 more transcripts); and 72 more.
Identifiers: ClinVar variation 868167 (VCV000868167.3), dbSNP rs2051532726, ClinGen allele CA916081189.